The following is an entry in ClinVar:

ClinVar aggregate classification (germline): Uncertain significance (1 of 4 stars; one submission).

Allele frequency attached by ClinVar (database versions not stated): gnomAD exomes 0.00001.
gnomAD v4.1: 4 of 1,613,440 alleles (0.00025%); highest among the groups gnomAD compares: South Asian, 0.0022%; no homozygotes.

Submission:

Labcorp Genetics (formerly Invitae), Labcorp
Classification: Uncertain significance. Last evaluated: 2023-02-22. Review status: criteria provided, single submitter. Criteria: Invitae Variant Classification Sherloc (09022015). Collection method: clinical testing. Allele origin: germline.
Comment: In summary, the available evidence is currently insufficient to determine the role of this variant in disease. Therefore, it has been classified as a Variant of Uncertain Significance. Advanced modeling of protein sequence and biophysical properties (such as structural, functional, and spatial information, amino acid conservation, physicochemical variation, residue mobility, and thermodynamic stability) performed at Invitae indicates that this missense variant is not expected to disrupt ACAN protein function. This variant has not been reported in the literature in individuals affected with ACAN-related conditions. The frequency data for this variant in the population databases is considered unreliable, as metrics indicate poor data quality at this position in the gnomAD database. This sequence change replaces asparagine, which is neutral and polar, with serine, which is neutral and polar, at codon 126 of the ACAN protein (p.Asn126Ser).

NM_001369268.1(ACAN):c.377A>G (p.Asn126Ser)

Gene: ACAN (aggrecan; plus strand). Cytogenetic location: 15q26.1.
Variant type: single nucleotide variant.
Coding change: c.377A>G on transcript NM_001369268.1 (MANE Select); coding-DNA position 377, A replaced by G.
Protein change: p.Asn126Ser; replaces asparagine 126 with serine.
Molecular consequence: missense variant.
Genome position (GRCh38, 1-based): chr15:88,838,969, A>G. VCF-style: chr15-88838969-A-G. GRCh37 (hg19) VCF-style: chr15-89382200-A-G.
Other names: c.377A>G, p.Asn126Ser (NM_001135.4, NM_001411096.1, NM_001411097.1 and 1 more transcripts); short protein forms N126S.
Identifiers: ClinVar variation 2788233 (VCV002788233.3), dbSNP rs1477811556, ClinGen allele CA393716353.